The following is an entry in ClinVar:

NM_000260.4(MYO7A):c.2034C>T (p.Phe678=)

Gene: MYO7A (myosin VIIA; plus strand). Cytogenetic location: 11q13.5.
Variant type: single nucleotide variant.
Coding change: c.2034C>T on transcript NM_000260.4 (MANE Select); coding-DNA position 2034, C replaced by T.
Protein change: p.Phe678=; no amino-acid change (phenylalanine 678 retained).
Molecular consequence: synonymous variant.
Genome position (GRCh38, 1-based): chr11:77,174,854, C>T. VCF-style: chr11-77174854-C-T. GRCh37 (hg19) VCF-style: chr11-76885900-C-T.
Other names: c.2034C>T, p.Phe678= (NM_001127180.2); c.2001C>T, p.Phe667= (NM_001369365.1); c.2034C>T (NM_000260.3).
Identifiers: ClinVar variation 991217 (VCV000991217.12), dbSNP rs782519043, ClinGen allele CA6197671.
Genomic context (GRCh38, chr11:77,174,854, plus strand): 5'-CTCAGGAATGATGGAGACCATCCGAATCCGCCGAGCTGGCTACCCCATCCGCTACAGCTT[C>T]GTAGAGTTTGTGGAGCGGTACCGTGTGCTGCTGCCAGGTGTGAAGCCGGCCTACAAGCAG-3'
Protein context (NP_000251.3, residues 668-688): RRAGYPIRYS[Phe678=]VEFVERYRVL

ClinVar aggregate classification (germline): Likely benign. Review status: criteria provided, multiple submitters, no conflicts (2 of 4 stars). 4 submissions from 4 submitters: Likely benign (2). 2 of the submissions do not count toward it. Last evaluated 2025-12-14.

Conditions:
Usher syndrome type 1B (USH1B). Also called: Usher syndrome type IB. Identifiers: MedGen C1848638, MONDO:0700087.
MYO7A-related disorder. Also called: MYO7A-related disorders.

Allele frequency attached by ClinVar (database versions not stated): ExAC 0.00001; gnomAD 0.00001; gnomAD exomes 0.00001; TOPMed 0.00002.
gnomAD v4.1: 41 of 1,613,610 alleles (0.0025%); highest among the groups gnomAD compares: Middle Eastern, 0.033%; no homozygotes.

Submissions (4):

Labcorp Genetics (formerly Invitae), Labcorp
Classification: Likely benign. Last evaluated: 2025-12-14. Review status: criteria provided, single submitter. Criteria: Invitae Variant Classification Sherloc (09022015). Collection method: clinical testing. Allele origin: germline.

Blueprint Genetics
Classification: Likely benign. Last evaluated: 2024-04-15. Review status: criteria provided, single submitter. Criteria: ACMG Guidelines, 2015. Collection method: clinical testing. Allele origin: germline.

PreventionGenetics, part of Exact Sciences
Classification: Likely benign for MYO7A-related condition. Last evaluated: 2024-09-24. Review status: no assertion criteria provided. Collection method: clinical testing. Allele origin: germline. Not counted in ClinVar's aggregate classification.
Comment: This variant is classified as likely benign based on ACMG/AMP sequence variant interpretation guidelines (Richards et al. 2015 PMID: 25741868, with internal and published modifications).

Natera, Inc.
Classification: Uncertain significance for Usher syndrome type 1B. Last evaluated: 2020-04-16. Review status: no assertion criteria provided. Collection method: clinical testing. Allele origin: germline. Not counted in ClinVar's aggregate classification.